The following is an entry in ClinVar:

ClinVar aggregate classification (germline): Benign/Likely benign. Review status: criteria provided, multiple submitters, no conflicts (2 of 4 stars). 6 submissions from 6 submitters: Benign (1); Likely benign (5). Last evaluated 2026-01-31.

Conditions:
Familial adenomatous polyposis 1 (FAP1). Also called: FAMILIAL ADENOMATOUS POLYPOSIS 1, ATTENUATED; POLYPOSIS, ADENOMATOUS INTESTINAL. Identifiers: MedGen C2713442, MONDO:0021056, OMIM 175100. Disease mechanism: loss of function.
Hereditary cancer-predisposing syndrome. Also called: Neoplastic Syndromes, Hereditary; Tumor predisposition; Hereditary Cancer Syndrome; Hereditary neoplastic syndrome. Identifiers: Orphanet 140162, MedGen C0027672, MeSH D009386, MONDO:0015356.

Allele frequency attached by ClinVar (database versions not stated): gnomAD exomes below 0.00001; ExAC 0.00001; gnomAD 0.00002 and 0.00003; TOPMed 0.00002.
gnomAD v4.1: 8 of 1,613,946 alleles (0.0005%); highest among the groups gnomAD compares: African/African-American, 0.008%; no homozygotes.

Submissions (6):

Labcorp Genetics (formerly Invitae), Labcorp
Classification: Likely benign for Familial adenomatous polyposis 1. Last evaluated: 2026-01-31. Review status: criteria provided, single submitter. Criteria: Invitae Variant Classification Sherloc (09022015). Collection method: clinical testing. Allele origin: germline.

Myriad Genetics, Inc.
Classification: Benign for Familial adenomatous polyposis 1. Last evaluated: 2024-02-29. Review status: criteria provided, single submitter. Criteria: Myriad Autosomal Dominant, Autosomal Recessive and X-Linked Classification Criteria (2023). Collection method: clinical testing. Allele origin: unknown.
Comment: This variant is considered benign. This variant is a silent/synonymous amino acid change and it is not expected to impact splicing.

Quest Diagnostics Nichols Institute San Juan Capistrano
Classification: Likely benign. Last evaluated: 2021-01-07. Review status: criteria provided, single submitter. Criteria: Quest Diagnostics criteria. Collection method: clinical testing. Allele origin: unknown.

Color Diagnostics, LLC DBA Color Health
Classification: Likely benign for Hereditary cancer-predisposing syndrome. Last evaluated: 2018-11-28. Review status: criteria provided, single submitter. Criteria: ACMG Guidelines, 2015. Collection method: clinical testing. Allele origin: germline.

GeneDx
Classification: Likely benign. Last evaluated: 2016-06-30. Review status: criteria provided, single submitter. Criteria: GeneDx Variant Classification (06012015). Collection method: clinical testing. Allele origin: germline. Affected: yes.
Comment: This variant is considered likely benign or benign based on one or more of the following criteria: it is a conservative change, it occurs at a poorly conserved position in the protein, it is predicted to be benign by multiple in silico algorithms, and/or has population frequency not consistent with disease.

Ambry Genetics
Classification: Likely benign for Hereditary cancer-predisposing syndrome. Last evaluated: 2015-04-20. Review status: criteria provided, single submitter. Criteria: Ambry Variant Classification Scheme 2023. Collection method: clinical testing. Allele origin: germline.

NM_000038.6(APC):c.948T>C (p.Tyr316=)

Gene: APC (APC regulator of Wnt signaling pathway; plus strand). Cytogenetic location: 5q22.2.
Variant type: single nucleotide variant.
Coding change: c.948T>C on transcript NM_000038.6 (MANE Select); coding-DNA position 948, T replaced by C.
Protein change: p.Tyr316=; no amino-acid change (tyrosine 316 retained).
Molecular consequence: synonymous variant. On other transcripts: intron variant (4).
Genome position (GRCh38, 1-based): chr5:112,818,980, T>C. VCF-style: chr5-112818980-T-C. GRCh37 (hg19) VCF-style: chr5-112154677-T-C.
Other names: c.948T>C, p.Tyr316= (NM_001127510.3, NM_001354895.2, NM_001354896.2); c.894T>C, p.Tyr298= (NM_001127511.3); c.978T>C, p.Tyr326= (NM_001354897.2); c.873T>C, p.Tyr291= (NM_001354898.2); c.864T>C, p.Tyr288= (NM_001354899.2); c.771T>C, p.Tyr257= (NM_001354900.2, NM_001354901.2); c.99T>C, p.Tyr33= (NM_001354906.2); c.964-289T>C (NM_001354902.2); and 3 more.
Identifiers: ClinVar variation 231355 (VCV000231355.58), dbSNP rs748010172, ClinGen allele CA051320.